The following is an entry in ClinVar:

ClinVar aggregate classification (germline): Uncertain significance. Review status: criteria provided, multiple submitters, no conflicts (2 of 4 stars). 2 submissions from 2 submitters: Uncertain significance (2). Last evaluated 2024-10-16.

Submissions (2):

Labcorp Genetics (formerly Invitae), Labcorp
Classification: Uncertain significance. Last evaluated: 2024-10-16. Review status: criteria provided, single submitter. Criteria: Invitae Variant Classification Sherloc (09022015). Collection method: clinical testing. Allele origin: germline.
Comment: This sequence change replaces isoleucine, which is neutral and non-polar, with methionine, which is neutral and non-polar, at codon 592 of the MYO7A protein (p.Ile592Met). This variant is not present in population databases (gnomAD no frequency). This variant has not been reported in the literature in individuals affected with MYO7A-related conditions. ClinVar contains an entry for this variant (Variation ID: 2108831). Invitae Evidence Modeling of protein sequence and biophysical properties (such as structural, functional, and spatial information, amino acid conservation, physicochemical variation, residue mobility, and thermodynamic stability) indicates that this missense variant is not expected to disrupt MYO7A protein function with a negative predictive value of 95%. In summary, the available evidence is currently insufficient to determine the role of this variant in disease. Therefore, it has been classified as a Variant of Uncertain Significance.

Blueprint Genetics
Classification: Uncertain significance. Last evaluated: 2020-09-24. Review status: criteria provided, single submitter. Criteria: ACMG Guidelines, 2015. Collection method: clinical testing. Allele origin: germline.

NM_000260.4(MYO7A):c.1776C>G (p.Ile592Met)

Gene: MYO7A (myosin VIIA; plus strand). Cytogenetic location: 11q13.5.
Variant type: single nucleotide variant.
Coding change: c.1776C>G on transcript NM_000260.4 (MANE Select); coding-DNA position 1776, C replaced by G.
Protein change: p.Ile592Met; replaces isoleucine 592 with methionine.
Molecular consequence: missense variant.
Genome position (GRCh38, 1-based): chr11:77,166,141, C>G. VCF-style: chr11-77166141-C-G. GRCh37 (hg19) VCF-style: chr11-76877187-C-G.
Other names: c.1776C>G, p.Ile592Met (NM_001127180.2); c.1743C>G, p.Ile581Met (NM_001369365.1); short protein forms I592M, I581M.
Identifiers: ClinVar variation 2108831 (VCV002108831.5), dbSNP rs781946898, ClinGen allele CA381937197.
Genomic context (GRCh38, chr11:77,166,141, plus strand): 5'-CCTGCATGGGGACATTATCCAGCTGGTCCACTCCTCCAGGAACAAGTTCATCAAGCAGAT[C>G]TTCCAGGCCGATGTCGCCATGGTAAGCCGGGTGCGGTTTCTGTTGTTCGGGAAGGGCCCC-3'
Protein context (NP_000251.3, residues 582-602): HSSRNKFIKQ[Ile592Met]FQADVAMGAE